The following is an entry in ClinVar:

NM_000512.5(GALNS):c.937A>G (p.Thr313Ala)

Gene: GALNS (galactosamine (N-acetyl)-6-sulfatase; minus strand). Cytogenetic location: 16q24.3.
Variant type: single nucleotide variant.
Coding change: c.937A>G on transcript NM_000512.5 (MANE Select); coding-DNA position 937, A replaced by G.
Protein change: p.Thr313Ala; replaces threonine 313 with alanine.
Molecular consequence: missense variant.
Genome position (GRCh38, 1-based): chr16:88,832,063, T>C on the plus strand (A>G on the coding strand, the complement: GALNS is on the minus strand). VCF-style: chr16-88832063-T-C. GRCh37 (hg19) VCF-style: chr16-88898471-T-C.
Other names: c.382A>G, p.Thr128Ala (NM_001323543.2); c.955A>G, p.Thr319Ala (NM_001323544.2); short protein forms T128A, T313A, T319A.
Identifiers: ClinVar variation 1048221 (VCV001048221.3), dbSNP rs2142999184, ClinGen allele CA397101295.

ClinVar aggregate classification (germline): Uncertain significance (1 of 4 stars; one submission).

Conditions:
Mucopolysaccharidosis, MPS-IV-A (MPS4A). Also called: Mucopolysaccharidosis type IV A; Mucopolysaccharidosis Type IVA; Morquio syndrome A, mild; MORQUIO SYNDROME A; MPS IVA; mucopolysaccharidosis type 4A. Identifiers: Orphanet 309297, Orphanet 582, MedGen C0086651, MONDO:0009659, OMIM 253000.

Allele frequency attached by ClinVar (database versions not stated): gnomAD exomes below 0.00001.
gnomAD v4.1: 4 of 1,613,806 alleles (0.00025%); highest among the groups gnomAD compares: Non-Finnish European, 0.00034%; no homozygotes.

Submission:

Laboratory of Diagnosis and Therapy of Lysosomal Disorders, University of Padova
Classification: Uncertain significance for Mucopolysaccharidosis, MPS-IV-A. Last evaluated: 2021-02-01. Review status: criteria provided, single submitter. Criteria: ACMG Guidelines, 2015. Collection method: curation. Allele origin: germline. Affected: yes.
Comment: Absent from gnomAD v2.1.1 (PM2_moderate); multiple lines of computational evidence support a deleterious effect on the gene (PP3_supporting)

Literature cited by the submitters: PubMed 24726177; PubMed 34387910.